The following is an entry in ClinVar:

ClinVar aggregate classification (germline): Conflicting classifications of pathogenicity. Review status: criteria provided, conflicting classifications (1 of 4 stars). 3 submissions from 3 submitters: Uncertain significance (2); Likely benign (1). Last evaluated 2022-04-30.

Conditions:
Mucopolysaccharidosis, MPS-IV-A (MPS4A). Also called: mucopolysaccharidosis type 4A; Morquio syndrome A, mild; MORQUIO SYNDROME A; MPS IVA; GALACTOSAMINE-6-SULFATASE DEFICIENCY; GALNS DEFICIENCY. Identifiers: Orphanet 309297, Orphanet 582, MedGen C0086651, MONDO:0009659, OMIM 253000.

Allele frequency attached by ClinVar (database versions not stated): gnomAD exomes 0.00002 and 0.00004; gnomAD 0.00003; TOPMed 0.00003; ExAC 0.00008.
gnomAD v4.1: 37 of 1,613,630 alleles (0.0023%); highest among the groups gnomAD compares: Middle Eastern, 0.033%; no homozygotes.

Submissions (3):

Labcorp Genetics (formerly Invitae), Labcorp
Classification: Uncertain significance for Mucopolysaccharidosis, MPS-IV-A. Last evaluated: 2022-04-30. Review status: criteria provided, single submitter. Criteria: Invitae Variant Classification Sherloc (09022015). Collection method: clinical testing. Allele origin: germline.
Comment: This sequence change replaces valine, which is neutral and non-polar, with isoleucine, which is neutral and non-polar, at codon 258 of the GALNS protein (p.Val258Ile). This variant is present in population databases (rs779257235, gnomAD 0.007%). This variant has not been reported in the literature in individuals affected with GALNS-related conditions. ClinVar contains an entry for this variant (Variation ID: 935607). Advanced modeling of protein sequence and biophysical properties (such as structural, functional, and spatial information, amino acid conservation, physicochemical variation, residue mobility, and thermodynamic stability) performed at Invitae indicates that this missense variant is not expected to disrupt GALNS protein function. In summary, the available evidence is currently insufficient to determine the role of this variant in disease. Therefore, it has been classified as a Variant of Uncertain Significance.

Blueprint Genetics
Classification: Likely benign. Last evaluated: 2022-04-01. Review status: criteria provided, single submitter. Criteria: ACMG Guidelines, 2015. Collection method: clinical testing. Allele origin: germline.

Fulgent Genetics
Classification: Uncertain significance for Mucopolysaccharidosis, MPS-IV-A. Last evaluated: 2021-11-08. Review status: criteria provided, single submitter. Criteria: ACMG Guidelines, 2015. Collection method: clinical testing. Allele origin: unknown.

NM_000512.5(GALNS):c.772G>A (p.Val258Ile)

Gene: GALNS (galactosamine (N-acetyl)-6-sulfatase; minus strand). Cytogenetic location: 16q24.3.
Variant type: single nucleotide variant.
Coding change: c.772G>A on transcript NM_000512.5 (MANE Select); coding-DNA position 772, G replaced by A.
Protein change: p.Val258Ile; replaces valine 258 with isoleucine.
Molecular consequence: missense variant.
Genome position (GRCh38, 1-based): chr16:88,835,339, C>T on the plus strand (G>A on the coding strand, the complement: GALNS is on the minus strand). VCF-style: chr16-88835339-C-T. GRCh37 (hg19) VCF-style: chr16-88901747-C-T.
Other names: c.217G>A, p.Val73Ile (NM_001323543.2); c.790G>A, p.Val264Ile (NM_001323544.2); short protein forms V258I, V264I, V73I.
Identifiers: ClinVar variation 935607 (VCV000935607.9), dbSNP rs779257235, ClinGen allele CA8234977.
Genomic context (GRCh38, chr16:88,835,339, plus strand): 5'-CGACGTGCAGGTCTTGGAGGAGCTCCAGTATCTTCCCAATGCTGTCATCAATCTCCCGGA[C>T]GGCGTCTCCATACCTGCAGGATGGTGACAAAAGGCATCTCCATACCTGGAGGATGGTGAC-3'
Protein context (NP_000503.1, residues 248-268): TSQRGRYGDA[Val258Ile]REIDDSIGKI